The following is an entry in ClinVar:

ClinVar aggregate classification (germline): Uncertain significance (1 of 4 stars; one submission).

Allele frequency attached by ClinVar (database versions not stated): gnomAD exomes below 0.00001 and 0.00001; TOPMed below 0.00001.
gnomAD v4.1: 2 of 1,612,118 alleles (0.00012%); highest among the groups gnomAD compares: Admixed American, 0.0033%; no homozygotes.

Submission:

Labcorp Genetics (formerly Invitae), Labcorp
Classification: Uncertain significance. Last evaluated: 2024-08-12. Review status: criteria provided, single submitter. Criteria: Invitae Variant Classification Sherloc (09022015). Collection method: clinical testing. Allele origin: germline.
Comment: This sequence change replaces glycine, which is neutral and non-polar, with arginine, which is basic and polar, at codon 45 of the RAB3GAP1 protein (p.Gly45Arg). This variant is present in population databases (no rsID available, gnomAD 0.006%). This variant has not been reported in the literature in individuals affected with RAB3GAP1-related conditions. ClinVar contains an entry for this variant (Variation ID: 1462568). Advanced modeling of protein sequence and biophysical properties (such as structural, functional, and spatial information, amino acid conservation, physicochemical variation, residue mobility, and thermodynamic stability) performed at Invitae indicates that this missense variant is not expected to disrupt RAB3GAP1 protein function with a negative predictive value of 80%. In summary, the available evidence is currently insufficient to determine the role of this variant in disease. Therefore, it has been classified as a Variant of Uncertain Significance.

NM_012233.3(RAB3GAP1):c.133G>A (p.Gly45Arg)

Gene: RAB3GAP1 (RAB3 GTPase activating protein catalytic subunit 1; plus strand). Cytogenetic location: 2q21.3.
Variant type: single nucleotide variant.
Coding change: c.133G>A on transcript NM_012233.3 (MANE Select); coding-DNA position 133, G replaced by A.
Protein change: p.Gly45Arg; replaces glycine 45 with arginine.
Molecular consequence: missense variant.
Genome position (GRCh38, 1-based): chr2:135,058,069, G>A. VCF-style: chr2-135058069-G-A. GRCh37 (hg19) VCF-style: chr2-135815639-G-A.
Other names: c.133G>A, p.Gly45Arg (NM_001172435.2); short protein forms G45R.
Identifiers: ClinVar variation 1462568 (VCV001462568.6), dbSNP rs1430768930, ClinGen allele CA348570728.